The following is an entry in ClinVar:

ClinVar aggregate classification (germline): Uncertain significance (1 of 4 stars; one submission).

Allele frequency attached by ClinVar (database versions not stated): TOPMed 0.00001.
gnomAD v4.1: 5 of 1,613,936 alleles (0.00031%); highest among the groups gnomAD compares: East Asian, 0.0089%; no homozygotes.

Submission:

Labcorp Genetics (formerly Invitae), Labcorp
Classification: Uncertain significance. Last evaluated: 2019-12-18. Review status: criteria provided, single submitter. Criteria: Invitae Variant Classification Sherloc (09022015). Collection method: clinical testing. Allele origin: germline.
Comment: In summary, the available evidence is currently insufficient to determine the role of this variant in disease. Therefore, it has been classified as a Variant of Uncertain Significance. Algorithms developed to predict the effect of missense changes on protein structure and function output the following: SIFT: "Tolerated"; PolyPhen-2: "Benign"; Align-GVGD: "Class C0". The serine amino acid residue is found in multiple mammalian species, suggesting that this missense change does not adversely affect protein function. These predictions have not been confirmed by published functional studies and their clinical significance is uncertain. This variant has not been reported in the literature in individuals with CREB3L3-related conditions. This variant is not present in population databases (ExAC no frequency). This sequence change replaces proline with serine at codon 118 of the CREB3L3 protein (p.Pro118Ser). The proline residue is weakly conserved and there is a moderate physicochemical difference between proline and serine.

NM_032607.3(CREB3L3):c.352C>T (p.Pro118Ser)

Gene: CREB3L3 (cAMP responsive element binding protein 3 like 3; plus strand). Cytogenetic location: 19p13.3.
Variant type: single nucleotide variant.
Coding change: c.352C>T on transcript NM_032607.3 (MANE Select); coding-DNA position 352, C replaced by T.
Protein change: p.Pro118Ser; replaces proline 118 with serine.
Molecular consequence: missense variant.
Genome position (GRCh38, 1-based): chr19:4,157,190, C>T. VCF-style: chr19-4157190-C-T. GRCh37 (hg19) VCF-style: chr19-4157187-C-T.
Other names: c.349C>T, p.Pro117Ser (NM_001271995.2); c.352C>T, p.Pro118Ser (NM_001271996.2, NM_001271997.2); short protein forms P118S, P117S.
Identifiers: ClinVar variation 845893 (VCV000845893.9), dbSNP rs77528283, ClinGen allele CA403401978.
Genomic context (GRCh38, chr19:4,157,190, plus strand): 5'-CAGGACACCCCTCCACGCAGCGGACCAGCCACCTCCCCCGCCGGCTGCCATCCTGCCCAG[C>T]CTGGCAAGGGGCCCTGCCTCTCCTATCATCCTGGCAACTCTTGCTCCACCACAACCCCAG-3'
Protein context (NP_115996.1, residues 108-128): TSPAGCHPAQ[Pro118Ser]GKGPCLSYHP